The following is an entry in ClinVar:

ClinVar aggregate classification (germline): Uncertain significance. Review status: criteria provided, multiple submitters, no conflicts (2 of 4 stars). 2 submissions from 2 submitters: Uncertain significance (2). Last evaluated 2024-02-02.

Conditions:
Hereditary spastic paraplegia 7 (SPG7). Also called: Spastic paraplegia 7; Hereditary spastic paraplegia Paraplegin type; Autosomal recessive spastic paraplegia type 7; SPASTIC PARAPLEGIA 7, AUTOSOMAL RECESSIVE, WITH OR WITHOUT CEREBELLAR ATAXIA; SPG7-related neurologic disorder. Identifiers: Orphanet 99013, MedGen C1846564, MONDO:0011803, OMIM 607259.

Allele frequency attached by ClinVar (database versions not stated): gnomAD exomes below 0.00001 and 0.00001; gnomAD 0.00001; TOPMed 0.00005.
gnomAD v4.1: 3 of 1,607,026 alleles (0.00019%); highest among the groups gnomAD compares: African/African-American, 0.004%; no homozygotes.

Submissions (2):

Labcorp Genetics (formerly Invitae), Labcorp
Classification: Uncertain significance for Hereditary spastic paraplegia 7. Last evaluated: 2024-02-02. Review status: criteria provided, single submitter. Criteria: Invitae Variant Classification Sherloc (09022015). Collection method: clinical testing. Allele origin: germline.
Comment: This sequence change replaces alanine, which is neutral and non-polar, with aspartic acid, which is acidic and polar, at codon 548 of the SPG7 protein (p.Ala548Asp). This variant is present in population databases (no rsID available, gnomAD 0.008%). This variant has not been reported in the literature in individuals affected with SPG7-related conditions. ClinVar contains an entry for this variant (Variation ID: 215214). Advanced modeling of protein sequence and biophysical properties (such as structural, functional, and spatial information, amino acid conservation, physicochemical variation, residue mobility, and thermodynamic stability) performed at Invitae indicates that this missense variant is expected to disrupt SPG7 protein function with a positive predictive value of 80%. In summary, the available evidence is currently insufficient to determine the role of this variant in disease. Therefore, it has been classified as a Variant of Uncertain Significance.

GeneDx
Classification: Uncertain significance. Last evaluated: 2021-11-04. Review status: criteria provided, single submitter. Criteria: GeneDx Variant Classification Process June 2021. Collection method: clinical testing. Allele origin: germline. Affected: yes.
Comment: Has not been previously published as pathogenic or benign to our knowledge; In silico analysis supports that this missense variant has a deleterious effect on protein structure/function; This variant is associated with the following publications: (PMID: 22571692)

NM_003119.4(SPG7):c.1643C>A (p.Ala548Asp)

Gene: SPG7 (SPG7 matrix AAA peptidase subunit, paraplegin; plus strand). Cytogenetic location: 16q24.3.
Variant type: single nucleotide variant.
Coding change: c.1643C>A on transcript NM_003119.4 (MANE Select); coding-DNA position 1643, C replaced by A.
Protein change: p.Ala548Asp; replaces alanine 548 with aspartic acid.
Molecular consequence: missense variant.
Genome position (GRCh38, 1-based): chr16:89,548,093, C>A. VCF-style: chr16-89548093-C-A. GRCh37 (hg19) VCF-style: chr16-89614501-C-A.
Other names: p.A548D:GCC>GAC; c.1643C>A, p.Ala548Asp (NM_001363850.1); short protein forms A548D.
Identifiers: ClinVar variation 215214 (VCV000215214.8), dbSNP rs863224220, ClinGen allele CA321526.
Genomic context (GRCh38, chr16:89,548,093, plus strand): 5'-CTGCGCTGCACGCGGCGCGGGAGGGACACACTTCCGTGCACACTCTCAACTTCGAGTACG[C>A]CGTGGAGCGCGTCCTCGCAGGTACAGGGGGCGCGCCCTGGGTGAAGGCCCTCCTTAGCAG-3'
Protein context (NP_003110.1, residues 538-558): TSVHTLNFEY[Ala548Asp]VERVLAGTAK